The following continues an entry in ClinVar:

NM_003000.3(SDHB):c.418G>T (p.Val140Phe)

Gene: SDHB. ClinVar aggregate classification (germline): Pathogenic/Likely pathogenic. Pathogenic (11); Likely pathogenic (6).

Submissions 7 to 20 of 20:

ARUP Laboratories, Molecular Genetics and Genomics, ARUP Laboratories
Classification: Pathogenic. Last evaluated: 2025-01-15. Review status: criteria provided, single submitter. Criteria: ARUP Molecular Germline Variant Investigation Process 2024. Collection method: clinical testing. Allele origin: germline.
Comment: The SDHB c.418G>T; p.Val140Phe variant (rs267607032) is reported in the literature in multiple individuals with paragangliomas (Brouwers 2006, Niemeijer 2017, Prodanov 2009, Santiago 2010, Schimke 2010, Timmers 2008) and was shown to segregate with disease in at least two families (Santiago 2010, Schimke 2010). This variant is also reported in ClinVar (Variation ID: 18454) and is only observed on 3 alleles in the Genome Aggregation Database, indicating it is not a common polymorphism. Computational analyses predict that this variant is deleterious (REVEL: 0.857). Based on available information, this variant is considered to be pathogenic. References: Brouwers FM et al. High frequency of SDHB germline mutations in patients with malignant catecholamine-producing paragangliomas: implications for genetic testing. J Clin Endocrinol Metab. 2006 Nov;91(11):4505-9. PMID: 16912137. Niemeijer ND et al. The phenotype of SDHB germline mutation carriers: a nationwide study. Eur J Endocrinol. 2017 Aug;177(2):115-125. PMID: 28490599 Prodanov T et al. Malignant paraganglioma associated with succinate dehydrogenase subunit B in an 8-year-old child: the age of first screening? Pediatr Nephrol. 2009 Jun;24(6):1239-42. PMID: 19189136. Santiago AH et al. Early presentation of familial paraganglioma with SDHB mutation in a 13 year old child and its mother. J Pediatr Endocrinol Metab. 2010 Apr;23(4):419-22. PMID: 20583550 Schimke RN et al. Paraganglioma, neuroblastoma, and a SDHB mutation: Resolution of a 30-year-old mystery. Am J Med Genet A. 2010 Jun;152A(6):1531-5. PMID: 20503330 Timmers HJ et al. Biochemically silent abdominal paragangliomas in patients with mutations in the succinate dehydrogenase subunit B gene. J Clin Endocrinol Metab. 2008 Dec;93(12):4826-32. PMID: 18840642

Molecular Pathology, Peter Maccallum Cancer Centre
Classification: Pathogenic for Pheochromocytoma/paraganglioma syndrome 4. Last evaluated: 2025-01-15. Review status: criteria provided, single submitter. Criteria: ACMG Guidelines, 2015. Collection method: clinical testing. Allele origin: germline. Inheritance: Autosomal dominant inheritance.

Fulgent Genetics
Classification: Likely pathogenic for Pheochromocytoma/paraganglioma syndrome 4; Gastrointestinal stromal tumor; Carney-Stratakis syndrome; Mitochondrial complex 2 deficiency, nuclear type 4. Last evaluated: 2024-05-18. Review status: criteria provided, single submitter. Criteria: ACMG Guidelines, 2015. Collection method: clinical testing. Allele origin: germline.

GeneDx
Classification: Pathogenic. Last evaluated: 2023-11-06. Review status: criteria provided, single submitter. Criteria: GeneDx Variant Classification Process June 2021. Collection method: clinical testing. Allele origin: germline. Affected: yes.
Comment: Observed frequently in unrelated patients from different ethnic backgrounds with SDHB-related tumors, several of whom had tumor studies consistent with pathogenic variants in this gene (PMID: 18840642, 19189136, 19576851, 19927285, 20503330, 22588707, 25683602, 29204718, 30050099); Segregates with disease in many affected individuals in several kindreds referred for genetic testing at GeneDx and in published literature (PMID: 20583550, 20503330); Not observed at significant frequency in large population cohorts (gnomAD); In silico analysis supports that this missense variant has a deleterious effect on protein structure/function; This variant is associated with the following publications: (PMID: 26236513, 20418362, 22588707, 29386252, 34906457, 30050099, 16912137, 20503330, 19927285, 20583550, 19189136, 18840642, 19576851, 22270996, 19802898, 25025441, 25683602, 26273102, 27910947, 27171833, 28374168, 28490599, 28748451, 29204718, 28503760, 29951630, 28152038, 32062700, 32035780, 32741965, 30787465, Hochfelder[abstract], 34703596, 20213850, 34308104, 27535533)

All of Us Research Program, National Institutes of Health
Classification: Pathogenic for Hereditary pheochromocytoma and paraganglioma. Last evaluated: 2023-08-08. Review status: criteria provided, single submitter. Criteria: ACMG Guidelines, 2015. Collection method: clinical testing. Allele origin: germline. Inheritance: Autosomal dominant inheritance. Observed: 3 variant alleles, 3 heterozygotes.
Comment: This missense variant replaces valine with phenylalanine at codon 140 of the SDHB protein. Computational prediction suggests that this variant may have deleterious impact on protein structure and function (internally defined REVEL score threshold >= 0.7, PMID: 27666373). To our knowledge, functional studies have not been reported for this variant. This variant has been reported in over twenty individuals affected with hereditary paragangliomas/pheochromocytomas, including children (PMID: 16912137, 18840642, 19189136, 19215943, 19927285, 20418362, 20503330, 20583550, 25683602, 26236513, 27171833, 28503760, 29951630, 20503330). This variant has been shown to segregate with disease in two unrelated families (PMID: 20503330, 20583550). Multiple carrier individuals from one of these families were unaffected with SDHB-associated disease. One study has reported detection of this variant in 16 family members of 9 index patients, however, only 5 of these 16 family members were found to have paragangliomas/pheochromocytomas (PMID: 28374168). This study suggested that the penetrance of this variant is 50% at age 38. This variant has been identified in 3/251418 chromosomes in the general population by the Genome Aggregation Database (gnomAD). Based on the available evidence, this variant is classified as Pathogenic.

This study involves interpretation of variants in research participants for the purpose of population health screening. Participant phenotype was not available at the time of variant classification. Additional details can be found in publication PMID: 35346344, PMCID: PMC8962531

Myriad Genetics, Inc.
Classification: Likely pathogenic for Pheochromocytoma/paraganglioma syndrome 4. Last evaluated: 2023-04-24. Review status: criteria provided, single submitter. Criteria: Myriad Autosomal Dominant, Autosomal Recessive and X-Linked Classification Criteria (2023). Collection method: clinical testing. Allele origin: unknown.
Comment: This variant is considered likely pathogenic. This variant has been reported in multiple individuals with clinical features of gene-specific disease [PMID:20503330, 20583550, 30050099, 16912137, 19576851]. This variant is expected to disrupt protein structure [Myriad internal data].

Women's Health and Genetics/Laboratory Corporation of America, LabCorp
Classification: Pathogenic for Hereditary pheochromocytoma and paraganglioma. Last evaluated: 2022-08-28. Review status: criteria provided, single submitter. Criteria: LabCorp Variant Classification Summary - May 2015. Collection method: clinical testing. Allele origin: germline.
Comment: Variant summary: SDHB c.418G>T (p.Val140Phe) results in a non-conservative amino acid change in the encoded protein sequence. Five of five in-silico tools predict a damaging effect of the variant on protein function. The variant allele was found at a frequency of 1.2e-05 in 251978 control chromosomes. c.418G>T has been reported in the literature in multiple individuals affected with features of Hereditary Paraganglioma-Pheochromocytoma Syndrome and a reduced penetrance in some families (examples, Brouwers_2006, Meyer-Rochow_2008, Trimmers_2007, Santiago_2010, Lodish_2010, Ricketts_2010, Majumdar_2010, Muth_2012, Prodanov_2009, Schimke_2010, Bayley_2010). These data indicate that the variant is very likely to be associated with disease. No experimental evidence demonstrating an impact on protein function has been ascertained. Seven clinical diagnostic laboratories have submitted clinical-significance assessments for this variant to ClinVar after 2014 without evidence for independent evaluation. All laboratories classified the variant as pathogenic/likely pathogenic. Based on the evidence outlined above, the variant was classified as pathogenic.

Baylor Genetics
Classification: Pathogenic for Gastrointestinal stromal tumor. Last evaluated: 2021-05-11. Review status: criteria provided, single submitter. Criteria: ACMG Guidelines, 2015. Collection method: clinical testing. Allele origin: unknown.

Sema4
Classification: Pathogenic for Hereditary cancer-predisposing syndrome. Last evaluated: 2021-03-25. Review status: criteria provided, single submitter. Criteria: Sema4 Curation Guidelines. Collection method: curation. Allele origin: germline.
Comment: The SDHB c.418G>T (p.V140F) variant has been reported in heterozygosity in many individuals with paragangliomas (PGLs), metastatic PGLs, pheochromocytomas, and renal cell carcinomas including multiple children under the age of 10 (PMID: 16912137, 19189136, 28503760, 20503330, 29951630). This variant was identified in two families where it was found to segregate with the phenotype across four meioses. (PMID: 20583550, 20503330). However, multiple individuals in these reports were found to carry this variant but had no reported history of SDHB-associated disease consistent with reduced penetrance. It was suggested that the penetrance of p.V140P is 50% at age 38 (PMID: 28374168). This variant was observed in 3/113772 chromosomes in the Non-Finnish European population according to the Genome Aggregation Database (PMID: 32461654). This variant has been reported in ClinVar (Variation ID: 18454). Based on the current evidence available, this variant is interpreted as pathogenic.

Athena Diagnostics
Classification: Likely pathogenic. Last evaluated: 2018-08-07. Review status: criteria provided, single submitter. Criteria: Athena Diagnostics Criteria. Collection method: clinical testing. Allele origin: germline.

Genetic Services Laboratory, University of Chicago
Classification: Likely pathogenic for Paragangliomas 4. Last evaluated: 2015-12-07. Review status: criteria provided, single submitter. Criteria: ACMG Guidelines, 2015. Collection method: clinical testing. Allele origin: germline. Affected: yes.

Counsyl
Classification: Likely pathogenic for Pheochromocytoma/paraganglioma syndrome 4. Last evaluated: 2016-04-28. Review status: no assertion criteria provided. Collection method: clinical testing. Allele origin: unknown. Not counted in ClinVar's aggregate classification.

OMIM
Classification: Pathogenic for PHEOCHROMOCYTOMA/PARAGANGLIOMA SYNDROME 4. Last evaluated: 2010-06-01. Review status: no assertion criteria provided. Collection method: literature only. Allele origin: germline. Not counted in ClinVar's aggregate classification.

Section on Medical Neuroendocrinolgy, National Institutes of Health
Classification: Pathogenic for Hereditary pheochromocytoma and paraganglioma. Review status: no assertion criteria provided. Collection method: research. Allele origin: germline. Affected: no and yes. Not counted in ClinVar's aggregate classification.
Comment: The penetrance of the disease in SDHB mutations carriers is not 100%, it is about 45-50%. There apparently are other factors contributing to disease development, however those are yet not known.

Literature cited by the submitters: PubMed 16912137 (cited by 9 submitters); PubMed 19189136 (cited by 10 submitters); PubMed 19802898 (cited by 4 submitters); PubMed 19927285 (cited by 8 submitters); PubMed 20503330 (cited by 12 submitters); PubMed 20583550 (cited by 10 submitters); PubMed 26236513 (cited by 5 submitters); PubMed 18840642 (cited by 5 submitters); PubMed 19576851 (cited by 4 submitters); PubMed 28374168 (cited by 7 submitters); PubMed 32035780 (cited by Institute for Genomic Medicine (IGM) Clinical Laboratory, Nationwide Children's Hospital); PubMed 19215943 (cited by 4 submitters); PubMed 20418362 (cited by 5 submitters); PubMed 25683602 (cited by 5 submitters); PubMed 27171833 (cited by 3 submitters); PubMed 28503760 (cited by 5 submitters); PubMed 29951630 (cited by 6 submitters); PubMed 20213850 (cited by Ambry Genetics and Women's Health and Genetics/Laboratory Corporation of America, LabCorp); PubMed 26198225 (cited by Ambry Genetics); PubMed 17200167 (cited by Mayo Clinic Laboratories, Mayo Clinic and Women's Health and Genetics/Laboratory Corporation of America, LabCorp); PubMed 23512077 (cited by Mayo Clinic Laboratories, Mayo Clinic and Counsyl); PubMed 30050099 (cited by Mayo Clinic Laboratories, Mayo Clinic and Myriad Genetics, Inc.); PubMed 22270996 (cited by Women's Health and Genetics/Laboratory Corporation of America, LabCorp and Counsyl); PubMed 490809 (cited by Athena Diagnostics and OMIM).